The following is an entry in ClinVar:

ClinVar aggregate classification (germline): Likely pathogenic (1 of 4 stars; one submission).

Conditions:
Gastrointestinal stromal tumor. Also called: Gastrointestinal stromal tumor, somatic; Gastrointestinal stroma tumor. Identifiers: Orphanet 44890, MedGen C0238198, MeSH D046152, MONDO:0011719, OMIM 606764, HP:0100723.
Pheochromocytoma/paraganglioma syndrome 3. Also called: GLOMUS TUMORS, FAMILIAL, 3; Paragangliomas 3; SDHC-Related Hereditary Paraganglioma-Pheochromocytoma Syndrome (Paragangliomas 3); SDHC-Related Hereditary Paraganglioma-Pheochromocytoma Syndrome. Identifiers: Orphanet 29072, MedGen C1854336, MONDO:0011544, OMIM 605373.

Submission:

Labcorp Genetics (formerly Invitae), Labcorp
Classification: Likely pathogenic for Pheochromocytoma/paraganglioma syndrome 3; Gastrointestinal stromal tumor. Last evaluated: 2024-09-28. Review status: criteria provided, single submitter. Criteria: Invitae Variant Classification Sherloc (09022015). Collection method: clinical testing. Allele origin: germline.
Comment: This sequence change replaces arginine, which is basic and polar, with serine, which is neutral and polar, at codon 50 of the SDHC protein (p.Arg50Ser). This variant is not present in population databases (gnomAD no frequency). This variant has not been reported in the literature in individuals affected with SDHC-related conditions. Invitae Evidence Modeling of protein sequence and biophysical properties (such as structural, functional, and spatial information, amino acid conservation, physicochemical variation, residue mobility, and thermodynamic stability) indicates that this missense variant is expected to disrupt SDHC protein function with a positive predictive value of 95%. This variant disrupts the p.Arg50 amino acid residue in SDHC. Other variant(s) that disrupt this residue have been determined to be pathogenic (PMID: 19351833, 23175444, 23666964, 24102379). This suggests that this residue is clinically significant, and that variants that disrupt this residue are likely to be disease-causing. In summary, the currently available evidence indicates that the variant is pathogenic, but additional data are needed to prove that conclusively. Therefore, this variant has been classified as Likely Pathogenic.

Literature cited by the submitters: PubMed 19351833; PubMed 23175444; PubMed 23666964; PubMed 24102379.

NM_003001.5(SDHC):c.148C>A (p.Arg50Ser)

Gene: SDHC (succinate dehydrogenase complex subunit C; plus strand). Cytogenetic location: 1q23.3.
Variant type: single nucleotide variant.
Coding change: c.148C>A on transcript NM_003001.5 (MANE Select); coding-DNA position 148, C replaced by A.
Protein change: p.Arg50Ser; replaces arginine 50 with serine.
Molecular consequence: missense variant. On other transcripts: non-coding transcript variant (1), intron variant (4).
Genome position (GRCh38, 1-based): chr1:161,328,466, C>A. VCF-style: chr1-161328466-C-A. GRCh37 (hg19) VCF-style: chr1-161298256-C-A.
Other names: c.148C>A, p.Arg50Ser (NM_001035511.3, NM_001407115.1); c.91C>A, p.Arg31Ser (NM_001407116.1, NM_001407117.1, NM_001407121.1); c.37C>A, p.Arg13Ser (NM_001407119.1, NM_001407120.1); c.77+4796C>A (NM_001035512.3, NM_001278172.3, NM_001407118.1); c.21-12128C>A (NM_001035513.3); short protein forms R13S, R31S, R50S.
Identifiers: ClinVar variation 3757977 (VCV003757977.2).